The following is an entry in ClinVar:

NM_000088.4(COL1A1):c.2947G>A (p.Gly983Ser)

Gene: COL1A1 (collagen type I alpha 1 chain; minus strand). Cytogenetic location: 17q21.33.
Variant type: single nucleotide variant.
Coding change: c.2947G>A on transcript NM_000088.4 (MANE Select); coding-DNA position 2947, G replaced by A.
Protein change: p.Gly983Ser; replaces glycine 983 with serine.
Molecular consequence: missense variant.
Genome position (GRCh38, 1-based): chr17:50,189,001, C>T on the plus strand (G>A on the coding strand, the complement: COL1A1 is on the minus strand). VCF-style: chr17-50189001-C-T. GRCh37 (hg19) VCF-style: chr17-48266362-C-T.
Other names: short protein forms G983S.
Identifiers: ClinVar variation 1502293 (VCV001502293.8), dbSNP rs2144548099, ClinGen allele CA400204351.

ClinVar aggregate classification (germline): Likely pathogenic (1 of 4 stars; one submission).

Conditions:
Osteogenesis imperfecta type I (OI1). Also called: Lobstein disease; Osteogenesis imperfecta type 1; OI, TYPE I; OSTEOGENESIS IMPERFECTA TARDA; OSTEOGENESIS IMPERFECTA WITH BLUE SCLERAE; Lobstein's Disease. Identifiers: Orphanet 216796, Orphanet 666, MedGen C0023931, MONDO:0008146, OMIM 166200. Disease mechanism: loss of function.

Submission:

Labcorp Genetics (formerly Invitae), Labcorp
Classification: Likely pathogenic for Osteogenesis imperfecta type I. Last evaluated: 2021-05-31. Review status: criteria provided, single submitter. Criteria: Invitae Variant Classification Sherloc (09022015). Collection method: clinical testing. Allele origin: germline.
Comment: This variant is not present in population databases (ExAC no frequency). This sequence change replaces glycine with serine at codon 983 of the COL1A1 protein (p.Gly983Ser). The glycine residue is highly conserved and there is a small physicochemical difference between glycine and serine. In summary, the currently available evidence indicates that the variant is pathogenic, but additional data are needed to prove that conclusively. Therefore, this variant has been classified as Likely Pathogenic. This variant disrupts the triple helix domain of COL1A1. Glycine residues within the Gly-Xaa-Yaa repeats of the triple helix domain are required for the structure and stability of fibrillar collagens (PMID: 7695699, 8218237, 19344236). In COL1A1, variants affecting these glycine residues are significantly enriched in individuals with disease (PMID: 9016532, 17078022) compared to the general population (ExAC). Advanced modeling of protein sequence and biophysical properties (such as structural, functional, and spatial information, amino acid conservation, physicochemical variation, residue mobility, and thermodynamic stability) performed at Invitae indicates that this missense variant is expected to disrupt COL1A1 protein function. This variant has been observed in individual(s) with clinical features of osteogenesis imperfecta (Invitae).

Literature cited by the submitters: PubMed 7695699; PubMed 8218237; PubMed 19344236; PubMed 9016532; PubMed 17078022.